The following is an entry in ClinVar:

ClinVar aggregate classification (germline): Uncertain significance. Review status: criteria provided, multiple submitters, no conflicts (2 of 4 stars). 2 submissions from 2 submitters: Uncertain significance (2). Last evaluated 2022-11-08.

Allele frequency attached by ClinVar (database versions not stated): gnomAD 0.00001; gnomAD exomes 0.00001 and 0.00002; ExAC 0.00002; TOPMed 0.00002.
gnomAD v4.1: 5 of 1,614,108 alleles (0.00031%); highest among the groups gnomAD compares: Admixed American, 0.0067%; no homozygotes.

Submissions (2):

Labcorp Genetics (formerly Invitae), Labcorp
Classification: Uncertain significance. Last evaluated: 2022-11-08. Review status: criteria provided, single submitter. Criteria: Invitae Variant Classification Sherloc (09022015). Collection method: clinical testing. Allele origin: germline.
Comment: In summary, the available evidence is currently insufficient to determine the role of this variant in disease. Therefore, it has been classified as a Variant of Uncertain Significance. Algorithms developed to predict the effect of missense changes on protein structure and function are either unavailable or do not agree on the potential impact of this missense change (SIFT: "Tolerated"; PolyPhen-2: "Possibly Damaging"; Align-GVGD: "Class C0"). ClinVar contains an entry for this variant (Variation ID: 1310442). This variant has not been reported in the literature in individuals affected with ERCC1-related conditions. This variant is present in population databases (rs775794240, gnomAD 0.009%). This sequence change replaces asparagine, which is neutral and polar, with aspartic acid, which is acidic and polar, at codon 299 of the ERCC1 protein (p.Asn299Asp).

GeneDx
Classification: Uncertain significance. Last evaluated: 2019-12-19. Review status: criteria provided, single submitter. Criteria: GeneDx Variant Classification Process June 2021. Collection method: clinical testing. Allele origin: germline. Affected: yes.
Comment: Not observed at a significant frequency in large population cohorts (Lek et al., 2016); In silico analysis, which includes protein predictors and evolutionary conservation, supports that this variant does not alter protein structure/function; Has not been previously published as pathogenic or benign to our knowledge

NM_001983.4(ERCC1):c.843+52A>G

Gene: ERCC1 (ERCC excision repair 1, endonuclease non-catalytic subunit; minus strand). Cytogenetic location: 19q13.32.
Variant type: single nucleotide variant.
Coding change: c.843+52A>G on transcript NM_001983.4 (MANE Select); 52 bases into the intron after coding-DNA position 843, A replaced by G.
Molecular consequence: intron variant. On other transcripts: missense variant (5).
Genome position (GRCh38, 1-based): chr19:45,413,625, T>C on the plus strand (A>G on the coding strand, the complement: ERCC1 is on the minus strand). VCF-style: chr19-45413625-T-C. GRCh37 (hg19) VCF-style: chr19-45916883-T-C.
Other names: c.823A>G, p.Asn275Asp (NM_001369411.1, NM_001369410.1); c.895A>G, p.Asn299Asp (NM_202001.3, NM_001369408.1, NM_001369409.1); c.843+52A>G (NM_001369412.1, NM_001369413.1, NM_001369414.1 and 2 more transcripts); c.771+52A>G (NM_001369417.1, NM_001369418.1, NM_001166049.2 and 1 more transcripts); short protein forms N275D, N299D.
Identifiers: ClinVar variation 1310442 (VCV001310442.6), dbSNP rs775794240, ClinGen allele CA9515258.